The following is an entry in ClinVar:

ClinVar aggregate classification (germline): Uncertain significance. Review status: criteria provided, multiple submitters, no conflicts (2 of 4 stars). 2 submissions from 2 submitters: Uncertain significance (2). Last evaluated 2024-11-14.

Conditions:
Inborn genetic diseases. Identifiers: MedGen C0950123, MeSH D030342.

Allele frequency attached by ClinVar (database versions not stated): gnomAD 0.00003; TOPMed 0.00003; ExAC 0.00004; gnomAD exomes 0.00004; ESP Exome Variant Server 0.00015; 1000 Genomes Project 30x 0.00016; 1000 Genomes Project 0.00020.
gnomAD v4.1: 56 of 1,604,102 alleles (0.0035%); highest among the groups gnomAD compares: Non-Finnish European, 0.0046%; no homozygotes.

Submissions (2):

Ambry Genetics
Classification: Uncertain significance for Inborn genetic diseases. Last evaluated: 2024-11-14. Review status: criteria provided, single submitter. Criteria: Ambry Variant Classification Scheme 2023. Collection method: clinical testing. Allele origin: germline.

Labcorp Genetics (formerly Invitae), Labcorp
Classification: Uncertain significance. Last evaluated: 2024-10-22. Review status: criteria provided, single submitter. Criteria: Invitae Variant Classification Sherloc (09022015). Collection method: clinical testing. Allele origin: germline.
Comment: This sequence change replaces phenylalanine, which is neutral and non-polar, with tyrosine, which is neutral and polar, at codon 29 of the FARSB protein (p.Phe29Tyr). This variant is present in population databases (rs149134385, gnomAD 0.006%). This variant has not been reported in the literature in individuals affected with FARSB-related conditions. ClinVar contains an entry for this variant (Variation ID: 2186527). An algorithm developed to predict the effect of missense changes on protein structure and function (PolyPhen-2) suggests that this variant is likely to be disruptive. In summary, the available evidence is currently insufficient to determine the role of this variant in disease. Therefore, it has been classified as a Variant of Uncertain Significance.

NM_005687.5(FARSB):c.86T>A (p.Phe29Tyr)

Gene: FARSB (phenylalanyl-tRNA synthetase subunit beta; minus strand). Cytogenetic location: 2q36.1.
Variant type: single nucleotide variant.
Coding change: c.86T>A on transcript NM_005687.5 (MANE Select); coding-DNA position 86, T replaced by A.
Protein change: p.Phe29Tyr; replaces phenylalanine 29 with tyrosine.
Molecular consequence: missense variant. On other transcripts: non-coding transcript variant (1).
Genome position (GRCh38, 1-based): chr2:222,648,768, A>T on the plus strand (T>A on the coding strand, the complement: FARSB is on the minus strand). VCF-style: chr2-222648768-A-T. GRCh37 (hg19) VCF-style: chr2-223513487-A-T.
Other names: c.86T>A (NM_005687.3); short protein forms F29Y.
Identifiers: ClinVar variation 2186527 (VCV002186527.4), dbSNP rs149134385, ClinGen allele CA2136762.